The following is an entry in ClinVar:

ClinVar aggregate classification (germline): Uncertain significance (1 of 4 stars; one submission).

Conditions:
Peutz-Jeghers syndrome (PJS). Also called: POLYPOSIS, HAMARTOMATOUS INTESTINAL; POLYPS-AND-SPOTS SYNDROME; Peutz-Jeghers polyposis; Periorificial lentiginosis syndrome. Identifiers: Orphanet 2869, MedGen C0031269, MeSH D010580, MONDO:0008280, OMIM 175200.

Submission:

Labcorp Genetics (formerly Invitae), Labcorp
Classification: Uncertain significance for Peutz-Jeghers syndrome. Last evaluated: 2023-03-13. Review status: criteria provided, single submitter. Criteria: Invitae Variant Classification Sherloc (09022015). Collection method: clinical testing. Allele origin: unknown.
Comment: In summary, the available evidence is currently insufficient to determine the role of this variant in disease. Therefore, it has been classified as a Variant of Uncertain Significance. This variant has not been reported in the literature in individuals affected with STK11-related conditions. This variant results in a copy number gain of the genomic region encompassing exon(s) 1-6 of the STK11 gene. This region includes the initiator codon of the gene. This copy number gain extends beyond the assayed region for this gene and therefore may encompass additional genes. As the precise location of this event is unknown, it may be in tandem or it may be located elsewhere in the genome.

NC_000019.9:g.(?_1206913)_(1221349_?)dup

Gene: STK11 (serine/threonine kinase 11; plus strand). Cytogenetic location: 19p13.3.
Variant type: Duplication.
Identifiers: ClinVar variation 3248413 (VCV003248413.1).